The following is an entry in ClinVar:

ClinVar aggregate classification (germline): Conflicting classifications of pathogenicity. Review status: criteria provided, conflicting classifications (1 of 4 stars). 3 submissions from 3 submitters: Uncertain significance (1); Benign (1); Likely benign (1). Last evaluated 2026-09-01.

Allele frequency attached by ClinVar (database versions not stated): 1000 Genomes Project 30x 0.00281; gnomAD 0.00509 and 0.00531; TOPMed 0.00526; gnomAD exomes 0.00735.
gnomAD v4.1: 7,067 of 1,005,278 alleles (0.7%); highest among the groups gnomAD compares: Admixed American, 0.79%; 30 homozygotes.

Submissions (3):

CeGaT Center for Human Genetics Tuebingen
Classification: Benign. Last evaluated: 2026-09-01. Review status: criteria provided, single submitter. Criteria: CeGaT Center For Human Genetics Tuebingen Variant Classification Criteria Version 2. Collection method: clinical testing. Allele origin: germline. Affected: yes. Observed: 35 variant alleles.
Comment: POU3F3: BP4, BP7, BS1, BS2

Blueprint Genetics
Classification: Likely benign. Last evaluated: 2024-11-26. Review status: criteria provided, single submitter. Criteria: ACMG Guidelines, 2015. Collection method: clinical testing. Allele origin: germline.

Institute for Clinical Genetics, University Hospital TU Dresden, University Hospital TU Dresden
Classification: Uncertain significance. Last evaluated: 2021-11-03. Review status: criteria provided, single submitter. Criteria: ACMG Guidelines, 2015. Collection method: clinical testing. Allele origin: germline.

NM_006236.3(POU3F3):c.549C>T (p.His183=)

Gene: POU3F3 (POU class 3 homeobox 3; plus strand). Cytogenetic location: 2q12.1.
Variant type: single nucleotide variant.
Coding change: c.549C>T on transcript NM_006236.3 (MANE Select); coding-DNA position 549, C replaced by T.
Protein change: p.His183=; no amino-acid change (histidine 183 retained).
Molecular consequence: synonymous variant.
Genome position (GRCh38, 1-based): chr2:104,856,059, C>T. VCF-style: chr2-104856059-C-T. GRCh37 (hg19) VCF-style: chr2-105472517-C-T.
Identifiers: ClinVar variation 1319842 (VCV001319842.34), dbSNP rs993106557, ClinGen allele CA53278103.